The following is an entry in ClinVar:

NM_000059.4(BRCA2):c.6052del (p.Ser2018fs)

Gene: BRCA2 (BRCA2 DNA repair associated; plus strand). Cytogenetic location: 13q13.1.
Variant type: Deletion.
Coding change: c.6052del on transcript NM_000059.4 (MANE Select); coding-DNA position 6052, one base deleted (A; older notation c.6052delA).
Protein change: p.Ser2018fs; shifts the reading frame from serine 2018.
Molecular consequence: frameshift variant. On other transcripts: non-coding transcript variant (1), intron variant (2).
Genome position (GRCh38, 1-based): chr13:32,340,407, A deleted; the last of 4 consecutive A bases (chr13:32,340,404-32,340,407); deleting any one gives the same sequence. VCF-style (leftmost placement, unchanged base first): chr13-32340403-TA-T. GRCh37 (hg19) VCF-style: chr13-32914540-TA-T.
Other names: c.6052del, p.Ser2018fs (NM_001406719.1, NM_001406720.1, NM_001432077.1); c.1910-4151del (NM_001406721.1); c.425-4151del (NM_001406722.1); short protein forms S2018fs.
Identifiers: ClinVar variation 3386251 (VCV003386251.2).
Genomic context (GRCh38, chr13:32,340,403, plus strand): 5'-AAGACAAGTGTTTTCTGAAATAGAAGATAGTACCAAGCAAGTCTTTTCCAAAGTATTGTT[TA>T]AAAGTAACGAACATTCAGACCAGCTCACAAGAGAAGAAAATACTGCTATACGTACTCCAG-3'

ClinVar aggregate classification (germline): Pathogenic. Review status: criteria provided, multiple submitters, no conflicts (2 of 4 stars). 2 submissions from 2 submitters: Pathogenic (2). Last evaluated 2024-07-29.

Conditions:
BRCA2-related cancer predisposition. Identifiers: MedGen CN377758, MONDO:0700269.
Hereditary cancer-predisposing syndrome. Also called: Neoplastic Syndromes, Hereditary; Hereditary Cancer Syndrome; Tumor predisposition; Hereditary neoplastic syndrome. Identifiers: Orphanet 140162, MedGen C0027672, MeSH D009386, MONDO:0015356.

Submissions (2):

All of Us Research Program, National Institutes of Health
Classification: Pathogenic for BRCA2-related cancer predisposition. Last evaluated: 2024-07-29. Review status: criteria provided, single submitter. Criteria: ACMG Guidelines, 2015. Collection method: clinical testing. Allele origin: germline. Inheritance: Autosomal dominant inheritance. Observed: 1 variant allele, 1 heterozygote.
Comment: This variant deletes 1 nucleotide in exon 11 of the BRCA2 gene, creating a frameshift and premature translation stop signal. This variant is expected to result in an absent or non-functional protein product. To our knowledge, this variant has not been reported in individuals affected with BRCA2-related disorders in the literature. This variant has not been identified in the general population by the Genome Aggregation Database (gnomAD). Loss of BRCA2 function is a known mechanism of disease. Based on the available evidence, this variant is classified as Pathogenic.

This study involves interpretation of variants in research participants for the purpose of population health screening. Participant phenotype was not available at the time of variant classification. Additional details can be found in publication PMID: 35346344, PMCID: PMC8962531

Color Diagnostics, LLC DBA Color Health
Classification: Pathogenic for Hereditary cancer-predisposing syndrome. Last evaluated: 2024-05-17. Review status: criteria provided, single submitter. Criteria: ACMG Guidelines, 2015. Collection method: clinical testing. Allele origin: germline.
Comment: This variant deletes 1 nucleotide in exon 11 of the BRCA2 gene, creating a frameshift and premature translation stop signal. This variant is expected to result in an absent or non-functional protein product. To our knowledge, this variant has not been reported in individuals affected with BRCA2-related disorders in the literature. This variant has not been identified in the general population by the Genome Aggregation Database (gnomAD). Loss of BRCA2 function is a known mechanism of disease. Based on the available evidence, this variant is classified as Pathogenic.